The following is an entry in ClinVar:

ClinVar aggregate classification (germline): Uncertain significance (1 of 4 stars; one submission).

Submission:

Ambry Genetics
Classification: Uncertain significance. Last evaluated: 2025-03-20. Review status: criteria provided, single submitter. Criteria: Ambry Variant Classification Scheme 2023. Collection method: clinical testing. Allele origin: germline.
Comment: The p.A1105D variant (also known as c.3314C>A), located in coding exon 12 of the WNK2 gene, results from a C to A substitution at nucleotide position 3314. The alanine at codon 1105 is replaced by aspartic acid, an amino acid with dissimilar properties. This amino acid position is conserved. In addition, this alteration is predicted to be tolerated by in silico analysis. Based on the available evidence, the clinical significance of this variant remains unclear.

NM_006648.4(WNK2):c.3314C>A (p.Ala1105Asp)

Gene: WNK2 (WNK lysine deficient protein kinase 2; plus strand). Cytogenetic location: 9q22.31.
Variant type: single nucleotide variant.
Coding change: c.3314C>A on transcript NM_006648.4 (MANE Select); coding-DNA position 3314, C replaced by A.
Protein change: p.Ala1105Asp; replaces alanine 1105 with aspartic acid.
Molecular consequence: missense variant.
Genome position (GRCh38, 1-based): chr9:93,262,061, C>A. VCF-style: chr9-93262061-C-A. GRCh37 (hg19) VCF-style: chr9-96024343-C-A.
Other names: c.3314C>A, p.Ala1105Asp (NM_001282394.3); short protein forms A1105D.
Identifiers: ClinVar variation 3981675 (VCV003981675.1).